The following is an entry in ClinVar:

ClinVar aggregate classification (germline): Conflicting classifications of pathogenicity. Review status: criteria provided, conflicting classifications (1 of 4 stars). 2 submissions from 2 submitters: Uncertain significance (1); Likely benign (1). Last evaluated 2024-04-25.

Conditions:
Ullrich congenital muscular dystrophy 2 (UCMD2). Identifiers: Orphanet 75840, MedGen C4225314, MONDO:0014654, OMIM 616470.
Bethlem myopathy 2 (BTHLM2). Identifiers: Orphanet 536516, Orphanet 610, MedGen C4225313, MONDO:0034022, OMIM 616471.

Allele frequency attached by ClinVar (database versions not stated): ExAC 0.00001; gnomAD exomes 0.00001; TOPMed 0.00001; gnomAD 0.00002; ESP Exome Variant Server 0.00008.
gnomAD v4.1: 11 of 1,613,006 alleles (0.00068%); highest among the groups gnomAD compares: African/African-American, 0.0013%; no homozygotes.

Submissions (2):

Labcorp Genetics (formerly Invitae), Labcorp
Classification: Likely benign for Bethlem myopathy 2; Ullrich congenital muscular dystrophy 2. Last evaluated: 2024-04-25. Review status: criteria provided, single submitter. Criteria: Invitae Variant Classification Sherloc (09022015). Collection method: clinical testing. Allele origin: germline.

GeneDx
Classification: Uncertain significance. Last evaluated: 2022-05-26. Review status: criteria provided, single submitter. Criteria: GeneDx Variant Classification Process June 2021. Collection method: clinical testing. Allele origin: germline. Affected: yes.
Comment: In silico analysis supports that this missense variant has a deleterious effect on protein structure/function; Has not been previously published as pathogenic or benign to our knowledge

NM_004370.6(COL12A1):c.7525C>G (p.Pro2509Ala)

Gene: COL12A1 (collagen type XII alpha 1 chain; minus strand). Cytogenetic location: 6q13.
Variant type: single nucleotide variant.
Coding change: c.7525C>G on transcript NM_004370.6 (MANE Select); coding-DNA position 7525, C replaced by G.
Protein change: p.Pro2509Ala; replaces proline 2509 with alanine.
Molecular consequence: missense variant.
Genome position (GRCh38, 1-based): chr6:75,116,052, G>C on the plus strand (C>G on the coding strand, the complement: COL12A1 is on the minus strand). VCF-style: chr6-75116052-G-C. GRCh37 (hg19) VCF-style: chr6-75825768-G-C.
Other names: c.4033C>G, p.Pro1345Ala (NM_080645.3); short protein forms P1345A, P2509A.
Identifiers: ClinVar variation 1800890 (VCV001800890.6), dbSNP rs374843798, ClinGen allele CA3892535.